The following is an entry in ClinVar:

ClinVar aggregate classification (germline): Pathogenic/Likely pathogenic. Review status: criteria provided, multiple submitters, no conflicts (2 of 4 stars). 3 submissions from 3 submitters: Pathogenic (1); Likely pathogenic (2). Last evaluated 2025-06-25.

Conditions:
DNAH11-related disorder. Also called: DNAH11-related condition.
Primary ciliary dyskinesia 7. Also called: CILIARY DYSKINESIA, PRIMARY, 7, WITH OR WITHOUT SITUS INVERSUS. Identifiers: Orphanet 244, MedGen C2678473, MONDO:0012748, OMIM 611884.

Submissions (3):

PreventionGenetics, part of Exact Sciences
Classification: Likely pathogenic for DNAH11-related condition. Last evaluated: 2025-06-25. Review status: criteria provided, single submitter. Criteria: ACMG Guidelines, 2015. Collection method: clinical testing. Allele origin: germline.
Comment: The DNAH11 c.4922C>G variant is predicted to result in premature protein termination (p.Ser1641*). This variant was reported in the compound heterozygous state with a DNAH11 missense variant of uncertain significance (c.9304G>A, p.Gly3102Ser) in a study of individuals with primary ciliary dyskinesia (Boaretto et al. 2016. PubMed ID: 27637300). This variant has not been reported in a large population database (gnomAD), indicating this variant is rare. Nonsense variants in DNAH11 are expected to be pathogenic. This variant is interpreted as likely pathogenic.

Fulgent Genetics
Classification: Likely pathogenic for Primary ciliary dyskinesia 7. Last evaluated: 2024-04-06. Review status: criteria provided, single submitter. Criteria: ACMG Guidelines, 2015. Collection method: clinical testing. Allele origin: germline.

Revvity Omics, Revvity
Classification: Pathogenic for Primary ciliary dyskinesia 7. Last evaluated: 2022-09-02. Review status: criteria provided, single submitter. Criteria: ACMG Guidelines, 2015. Collection method: clinical testing. Allele origin: germline.

NM_001277115.2(DNAH11):c.4922C>G (p.Ser1641Ter)

Gene: DNAH11 (dynein axonemal heavy chain 11; plus strand). Cytogenetic location: 7p15.3.
Variant type: single nucleotide variant.
Coding change: c.4922C>G on transcript NM_001277115.2 (MANE Select); coding-DNA position 4922, C replaced by G.
Protein change: p.Ser1641Ter; replaces serine 1641 with a stop codon.
Molecular consequence: nonsense.
Genome position (GRCh38, 1-based): chr7:21,639,043, C>G. VCF-style: chr7-21639043-C-G. GRCh37 (hg19) VCF-style: chr7-21678661-C-G.
Other names: c.4937C>G, p.Ser1646Ter (NM_003777.3); c.4922C>G (NM_001277115.1); short protein forms S1641*, S1646*.
Identifiers: ClinVar variation 2435939 (VCV002435939.5), dbSNP rs2128460324, ClinGen allele CA366934775.